The following is an entry in ClinVar:

NM_025150.5(TARS2):c.2103G>A (p.Gln701=)

Gene: TARS2 (threonyl-tRNA synthetase 2, mitochondrial; plus strand). Cytogenetic location: 1q21.2.
Variant type: single nucleotide variant.
Coding change: c.2103G>A on transcript NM_025150.5 (MANE Select); coding-DNA position 2103, G replaced by A.
Protein change: p.Gln701=; no amino-acid change (glutamine 701 retained).
Molecular consequence: synonymous variant. On other transcripts: non-coding transcript variant (2).
Genome position (GRCh38, 1-based): chr1:150,507,010, G>A. VCF-style: chr1-150507010-G-A. GRCh37 (hg19) VCF-style: chr1-150479486-G-A.
Other names: c.1857G>A, p.Gln619= (NM_001271895.2); c.1713G>A, p.Gln571= (NM_001271896.2).
Identifiers: ClinVar variation 385859 (VCV000385859.11), dbSNP rs114661327, ClinGen allele CA1077257.
Genomic context (GRCh38, chr1:150,507,010, plus strand): 5'-GAACATTCGGACTCGAGATAATCGTCGCCTTGGGGAGTGGGACTTGCCTGAGGCTGTGCA[G>A]CGACTGGTGGAGCTACAGAACACGAGGGTCCCAAATGCCGAAGAAATTTTCTGAGCCTTT-3'
Protein context (NP_079426.2, residues 691-711): LGEWDLPEAV[Gln701=]RLVELQNTRV

ClinVar aggregate classification (germline): Benign. Review status: criteria provided, multiple submitters, no conflicts (2 of 4 stars). 3 submissions from 3 submitters: Benign (3). Last evaluated 2026-01-05.

Allele frequency attached by ClinVar (database versions not stated): 1000 Genomes Project 0.00519; 1000 Genomes Project 30x 0.00578; gnomAD exomes 0.00036 and 0.00095; ExAC 0.00113; gnomAD 0.00439 and 0.00467; TOPMed 0.00500; ESP Exome Variant Server 0.00515.
gnomAD v4.1: 1,198 of 1,614,172 alleles (0.074%); highest among the groups gnomAD compares: African/African-American, 1.5%; 10 homozygotes.

Submissions (3):

Labcorp Genetics (formerly Invitae), Labcorp
Classification: Benign. Last evaluated: 2026-01-05. Review status: criteria provided, single submitter. Criteria: Invitae Variant Classification Sherloc (09022015). Collection method: clinical testing. Allele origin: germline.

GeneDx
Classification: Benign. Last evaluated: 2016-10-18. Review status: criteria provided, single submitter. Criteria: GeneDx Variant Classification (06012015). Collection method: clinical testing. Allele origin: germline. Affected: yes.
Comment: This variant is considered likely benign or benign based on one or more of the following criteria: it is a conservative change, it occurs at a poorly conserved position in the protein, it is predicted to be benign by multiple in silico algorithms, and/or has population frequency not consistent with disease.

Breakthrough Genomics
Classification: Benign. Review status: criteria provided, single submitter. Criteria: ACMG Guidelines, 2015. Collection method: not provided. Allele origin: germline. Inheritance: Autosomal recessive inheritance. Affected: yes.